The following is an entry in ClinVar:

NM_031407.7(HUWE1):c.3688G>A (p.Val1230Ile)

Genes: HUWE1 (HECT, UBA and WWE domain containing E3 ubiquitin protein ligase 1; minus strand), LOC126863263 (BRD4-independent group 4 enhancer GRCh37_chrX:53619238-53620437; plus strand). Cytogenetic location: Xp11.22.
Variant type: single nucleotide variant.
Coding change: c.3688G>A on transcript NM_031407.7 (MANE Select); coding-DNA position 3688, G replaced by A.
Protein change: p.Val1230Ile; replaces valine 1230 with isoleucine.
Molecular consequence: missense variant.
Genome position (GRCh38, 1-based): chrX:53,593,417, C>T on the plus strand (G>A on the coding strand, the complement: HUWE1 is on the minus strand). VCF-style: chrX-53593417-C-T. GRCh37 (hg19) VCF-style: chrX-53620377-C-T.
Other names: short protein forms V1230I.
Identifiers: ClinVar variation 2983140 (VCV002983140.3), dbSNP rs2526160104, ClinGen allele CA413178104.

ClinVar aggregate classification (germline): Uncertain significance (1 of 4 stars; one submission).

Submission:

Labcorp Genetics (formerly Invitae), Labcorp
Classification: Uncertain significance. Last evaluated: 2025-02-17. Review status: criteria provided, single submitter. Criteria: Invitae Variant Classification Sherloc (09022015). Collection method: clinical testing. Allele origin: germline.
Comment: This sequence change replaces valine, which is neutral and non-polar, with isoleucine, which is neutral and non-polar, at codon 1230 of the HUWE1 protein (p.Val1230Ile). This variant is not present in population databases (gnomAD no frequency). This variant has not been reported in the literature in individuals affected with HUWE1-related conditions. ClinVar contains an entry for this variant (Variation ID: 2983140). Invitae Evidence Modeling of protein sequence and biophysical properties (such as structural, functional, and spatial information, amino acid conservation, physicochemical variation, residue mobility, and thermodynamic stability) has been performed for this missense variant. However, the output from this modeling did not meet the statistical confidence thresholds required to predict the impact of this variant on HUWE1 protein function. In summary, the available evidence is currently insufficient to determine the role of this variant in disease. Therefore, it has been classified as a Variant of Uncertain Significance.